The following is an entry in ClinVar:

ClinVar aggregate classification (germline): Uncertain significance (1 of 4 stars; one submission).

Conditions:
Hereditary cancer-predisposing syndrome. Also called: Neoplastic Syndromes, Hereditary; Tumor predisposition; Hereditary Cancer Syndrome; Hereditary neoplastic syndrome. Identifiers: Orphanet 140162, MedGen C0027672, MeSH D009386, MONDO:0015356.

Submission:

Ambry Genetics
Classification: Uncertain significance for Hereditary cancer-predisposing syndrome. Last evaluated: 2025-09-16. Review status: criteria provided, single submitter. Criteria: Ambry Variant Classification Scheme 2023. Collection method: clinical testing. Allele origin: germline.
Comment: The p.E154D variant (also known as c.462A>T), located in coding exon 3 of the RAD51C gene, results from an A to T substitution at nucleotide position 462. The glutamic acid at codon 154 is replaced by aspartic acid, an amino acid with highly similar properties. This amino acid position is conserved. In addition, this alteration is predicted to be tolerated by in silico analysis. Based on the available evidence, the clinical significance of this variant remains unclear.

NM_058216.3(RAD51C):c.462A>T (p.Glu154Asp)

Gene: RAD51C (RAD51 paralog C; plus strand). Cytogenetic location: 17q22.
Variant type: single nucleotide variant.
Coding change: c.462A>T on transcript NM_058216.3 (MANE Select); coding-DNA position 462, A replaced by T.
Protein change: p.Glu154Asp; replaces glutamic acid 154 with aspartic acid.
Molecular consequence: missense variant.
Genome position (GRCh38, 1-based): chr17:58,696,750, A>T. VCF-style: chr17-58696750-A-T. GRCh37 (hg19) VCF-style: chr17-56774111-A-T.
Other names: short protein forms E154D.
Identifiers: ClinVar variation 4680758 (VCV004680758.1).
Genomic context (GRCh38, chr17:58,696,750, plus strand): 5'-CAGTATGCAGTTGGCAGTAGATGTGCAGATACCAGAATGTTTTGGAGGAGTGGCAGGTGA[A>T]GCAGTTTTTATTGATACAGAGGGAAGTTTTATGGTTGATAGAGTGGTAGACCTTGCTACT-3'
Protein context (NP_478123.1, residues 144-164): IPECFGGVAG[Glu154Asp]AVFIDTEGSF